The following is an entry in ClinVar:

ClinVar aggregate classification (germline): Benign/Likely benign. Review status: criteria provided, multiple submitters, no conflicts (2 of 4 stars). 5 submissions from 5 submitters: Benign (2); Likely benign (3). Last evaluated 2026-04-01.

Allele frequency attached by ClinVar (database versions not stated): gnomAD exomes 0.00099 and 0.00247; ExAC 0.00320; ESP Exome Variant Server 0.00900; TOPMed 0.00954; 1000 Genomes Project 0.00998; 1000 Genomes Project 30x 0.01077.

Submissions (5):

CeGaT Center for Human Genetics Tuebingen
Classification: Likely benign. Last evaluated: 2026-04-01. Review status: criteria provided, single submitter. Criteria: CeGaT Center For Human Genetics Tuebingen Variant Classification Criteria Version 2. Collection method: clinical testing. Allele origin: germline. Affected: yes. Observed: 3 variant alleles.
Comment: NEFH: BS1

Labcorp Genetics (formerly Invitae), Labcorp
Classification: Benign. Last evaluated: 2026-02-01. Review status: criteria provided, single submitter. Criteria: Invitae Variant Classification Sherloc (09022015). Collection method: clinical testing. Allele origin: germline.

Mayo Clinic Laboratories, Mayo Clinic
Classification: Benign. Last evaluated: 2023-04-04. Review status: criteria provided, single submitter. Criteria: ACMG Guidelines, 2015. Collection method: clinical testing. Allele origin: germline. Observed: 5 variant alleles.
Comment: BS1, BS2

GeneDx
Classification: Likely benign. Last evaluated: 2021-09-07. Review status: criteria provided, single submitter. Criteria: GeneDx Variant Classification Process June 2021. Collection method: clinical testing. Allele origin: germline. Affected: yes.

Breakthrough Genomics
Classification: Likely benign. Review status: criteria provided, single submitter. Criteria: ACMG Guidelines, 2015. Collection method: not provided. Allele origin: germline. Inheritance: Autosomal recessive inheritance. Affected: yes.

NM_021076.4(NEFH):c.1723C>T (p.Pro575Ser)

Gene: NEFH (neurofilament heavy chain; plus strand). Cytogenetic location: 22q12.2.
Variant type: single nucleotide variant.
Coding change: c.1723C>T on transcript NM_021076.4 (MANE Select); coding-DNA position 1723, C replaced by T.
Protein change: p.Pro575Ser; replaces proline 575 with serine.
Molecular consequence: missense variant.
Genome position (GRCh38, 1-based): chr22:29,489,363, C>T. VCF-style: chr22-29489363-C-T. GRCh37 (hg19) VCF-style: chr22-29885352-C-T.
Other names: p.Pro575Ser; short protein forms P575S.
Identifiers: ClinVar variation 775451 (VCV000775451.17), dbSNP rs6006164, ClinGen allele CA10174266.
Genomic context (GRCh38, chr22:29,489,363, plus strand): 5'-AAGGAAGAGGCAAAGTCACCGCCTGAGGCCAAGTCCCCAGAGAAGGAGGAAGCAAAATCT[C>T]CAGCTGAGGTCAAGTCCCCCGAGAAGGCCAAGTCCCCAGCAAAGGAAGAGGCAAAGTCAC-3'
Protein context (NP_066554.2, residues 565-585): KSPEKEEAKS[Pro575Ser]AEVKSPEKAK